The following is an entry in ClinVar:

ClinVar aggregate classification (germline): Uncertain significance (1 of 4 stars; one submission).

Conditions:
Perlman syndrome (PRLMNS). Identifiers: Orphanet 2849, MedGen C0796113, MONDO:0009965, OMIM 267000.

Allele frequency attached by ClinVar (database versions not stated): gnomAD exomes 0.00001.
gnomAD v4.1: 11 of 1,550,714 alleles (0.00071%); highest among the groups gnomAD compares: Non-Finnish European, 0.00096%; no homozygotes.

Submission:

Labcorp Genetics (formerly Invitae), Labcorp
Classification: Uncertain significance for Perlman syndrome. Last evaluated: 2022-10-17. Review status: criteria provided, single submitter. Criteria: Invitae Variant Classification Sherloc (09022015). Collection method: clinical testing. Allele origin: germline.
Comment: This variant has not been reported in the literature in individuals affected with DIS3L2-related conditions. In summary, the available evidence is currently insufficient to determine the role of this variant in disease. Therefore, it has been classified as a Variant of Uncertain Significance. Advanced modeling of protein sequence and biophysical properties (such as structural, functional, and spatial information, amino acid conservation, physicochemical variation, residue mobility, and thermodynamic stability) performed at Invitae indicates that this missense variant is not expected to disrupt DIS3L2 protein function. ClinVar contains an entry for this variant (Variation ID: 1059129). This variant is present in population databases (rs775531488, gnomAD 0.002%). This sequence change replaces lysine, which is basic and polar, with threonine, which is neutral and polar, at codon 809 of the DIS3L2 protein (p.Lys809Thr).

NM_152383.5(DIS3L2):c.2426A>C (p.Lys809Thr)

Gene: DIS3L2 (DIS3 like 3'-5' exoribonuclease 2; plus strand). Cytogenetic location: 2q37.1.
Variant type: single nucleotide variant.
Coding change: c.2426A>C on transcript NM_152383.5 (MANE Select); coding-DNA position 2426, A replaced by C.
Protein change: p.Lys809Thr; replaces lysine 809 with threonine.
Molecular consequence: missense variant. On other transcripts: non-coding transcript variant (2), intron variant (1).
Genome position (GRCh38, 1-based): chr2:232,335,804, A>C. VCF-style: chr2-232335804-A-C. GRCh37 (hg19) VCF-style: chr2-233200514-A-C.
Other names: c.1582-7541A>C (NM_001257281.2); short protein forms K809T.
Identifiers: ClinVar variation 1059129 (VCV001059129.9), dbSNP rs775531488, ClinGen allele CA66931823.